The following is an entry in ClinVar:

ClinVar aggregate classification (germline): Uncertain significance (1 of 4 stars; one submission).

Submission:

CeGaT Center for Human Genetics Tuebingen
Classification: Uncertain significance. Last evaluated: 2024-12-01. Review status: criteria provided, single submitter. Criteria: CeGaT Center For Human Genetics Tuebingen Variant Classification Criteria Version 2. Collection method: clinical testing. Allele origin: germline. Affected: yes. Observed: 1 variant allele.
Comment: IRS4: PM2:Supporting, BP4

NM_001379150.1(IRS4):c.1669G>A (p.Gly557Ser)

Gene: IRS4 (insulin receptor substrate 4; minus strand). Cytogenetic location: Xq22.3.
Variant type: single nucleotide variant.
Coding change: c.1669G>A on transcript NM_001379150.1 (MANE Select); coding-DNA position 1669, G replaced by A.
Protein change: p.Gly557Ser; replaces glycine 557 with serine.
Molecular consequence: missense variant.
Genome position (GRCh38, 1-based): chrX:108,734,676, C>T on the plus strand (G>A on the coding strand, the complement: IRS4 is on the minus strand). VCF-style: chrX-108734676-C-T. GRCh37 (hg19) VCF-style: chrX-107977906-C-T.
Other names: c.1669G>A, p.Gly557Ser (NM_003604.2); short protein forms G557S.
Identifiers: ClinVar variation 3771611 (VCV003771611.13).